The following is an entry in ClinVar:

ClinVar aggregate classification (germline): Uncertain significance. Review status: criteria provided, multiple submitters, no conflicts (2 of 4 stars). 4 submissions from 3 submitters: Uncertain significance (4). Last evaluated 2023-04-11.

Conditions:
Hereditary spastic paraplegia 63. Also called: Spastic paraplegia 63, autosomal recessive. Identifiers: Orphanet 401805, MedGen C3810295, MONDO:0014305, OMIM 615686.
Pontocerebellar hypoplasia type 9. Identifiers: Orphanet 369920, MedGen C4014354, MONDO:0014351, OMIM 615809.

Allele frequency attached by ClinVar (database versions not stated): gnomAD exomes 0.00002 and 0.00004; gnomAD 0.00004 and 0.00005; TOPMed 0.00004; ExAC 0.00005; ESP Exome Variant Server 0.00008.
gnomAD v4.1: 34 of 1,613,324 alleles (0.0021%); highest among the groups gnomAD compares: South Asian, 0.011%; no homozygotes.

Submissions (4):

Genome-Nilou Lab
Classification: Uncertain significance for Hereditary spastic paraplegia 63. Last evaluated: 2023-04-11. Review status: criteria provided, single submitter. Criteria: ACMG Guidelines, 2015. Collection method: clinical testing. Allele origin: germline. Affected: no.

Genome-Nilou Lab
Classification: Uncertain significance for Pontocerebellar hypoplasia type 9. Last evaluated: 2023-04-11. Review status: criteria provided, single submitter. Criteria: ACMG Guidelines, 2015. Collection method: clinical testing. Allele origin: germline. Affected: no.

Labcorp Genetics (formerly Invitae), Labcorp
Classification: Uncertain significance for Pontocerebellar hypoplasia type 9; Hereditary spastic paraplegia 63. Last evaluated: 2022-09-27. Review status: criteria provided, single submitter. Criteria: Invitae Variant Classification Sherloc (09022015). Collection method: clinical testing. Allele origin: germline.
Comment: This sequence change replaces alanine, which is neutral and non-polar, with valine, which is neutral and non-polar, at codon 301 of the AMPD2 protein (p.Ala301Val). This variant is present in population databases (rs145441666, gnomAD 0.01%). This variant has not been reported in the literature in individuals affected with AMPD2-related conditions. ClinVar contains an entry for this variant (Variation ID: 1309203). Algorithms developed to predict the effect of missense changes on protein structure and function output the following: SIFT: "Tolerated"; PolyPhen-2: "Benign"; Align-GVGD: "Class C0". The valine amino acid residue is found in multiple mammalian species, which suggests that this missense change does not adversely affect protein function. In summary, the available evidence is currently insufficient to determine the role of this variant in disease. Therefore, it has been classified as a Variant of Uncertain Significance.

GeneDx
Classification: Uncertain significance. Last evaluated: 2019-10-15. Review status: criteria provided, single submitter. Criteria: GeneDx Variant Classification Process June 2021. Collection method: clinical testing. Allele origin: germline. Affected: yes.
Comment: Not observed at a significant frequency in large population cohorts (Lek et al., 2016); In silico analysis, which includes protein predictors and evolutionary conservation, supports that this variant does not alter protein structure/function; Has not been previously published as pathogenic or benign to our knowledge

NM_001368809.2(AMPD2):c.740C>T (p.Ala247Val)

Gene: AMPD2 (adenosine monophosphate deaminase 2; plus strand). Cytogenetic location: 1p13.3.
Variant type: single nucleotide variant.
Coding change: c.740C>T on transcript NM_001368809.2 (MANE Select); coding-DNA position 740, C replaced by T.
Protein change: p.Ala247Val; replaces alanine 247 with valine.
Molecular consequence: missense variant.
Genome position (GRCh38, 1-based): chr1:109,627,196, C>T. VCF-style: chr1-109627196-C-T. GRCh37 (hg19) VCF-style: chr1-110169818-C-T.
Other names: c.902C>T (NM_001257360.1); c.548C>T, p.Ala183Val (NM_001257361.2); c.677C>T, p.Ala226Val (NM_001308170.1); c.740C>T, p.Ala247Val (NM_004037.9); c.659C>T, p.Ala220Val (NM_139156.4); short protein forms A183V, A220V, A226V, A247V.
Identifiers: ClinVar variation 1309203 (VCV001309203.4), dbSNP rs145441666, ClinGen allele CA992905.